The following is an entry in ClinVar:

NM_206933.4(USH2A):c.8190_8193dup (p.Val2732fs)

Gene: USH2A (usherin; minus strand). Cytogenetic location: 1q41.
Variant type: Microsatellite.
Coding change: c.8190_8193dup on transcript NM_206933.4 (MANE Select); coding-DNA positions 8190 to 8193, 4 bases duplicated (TGTG; older notation c.8190_8193dupTGTG).
Protein change: p.Val2732fs; shifts the reading frame from valine 2732.
Molecular consequence: frameshift variant.
Genome position (GRCh38, 1-based): chr1:215,888,456-215,888,459, CACA duplicated on the plus strand (TGTG on the coding strand, the reverse complement: USH2A is on the minus strand). VCF-style (leftmost placement, unchanged base first): chr1-215888455-C-CCACA. GRCh37 (hg19) VCF-style: chr1-216061797-C-CCACA.
Other names: short protein forms V2732fs.
Identifiers: ClinVar variation 2124985 (VCV002124985.5), dbSNP rs2464747727, ClinGen allele CA2580611228.

ClinVar aggregate classification (germline): Pathogenic. Review status: criteria provided, multiple submitters, no conflicts (2 of 4 stars). 2 submissions from 2 submitters: Pathogenic (2). Last evaluated 2024-01-25.

Conditions:
Retinitis pigmentosa 39 (RP39). Identifiers: Orphanet 791, MedGen C3151138, MONDO:0013436, OMIM 613809.

Submissions (2):

Baylor Genetics
Classification: Pathogenic for Retinitis pigmentosa 39. Last evaluated: 2024-01-25. Review status: criteria provided, single submitter. Criteria: ACMG Guidelines, 2015. Collection method: clinical testing. Allele origin: unknown.

Labcorp Genetics (formerly Invitae), Labcorp
Classification: Pathogenic. Last evaluated: 2022-04-11. Review status: criteria provided, single submitter. Criteria: Invitae Variant Classification Sherloc (09022015). Collection method: clinical testing. Allele origin: germline.
Comment: For these reasons, this variant has been classified as Pathogenic. This variant has not been reported in the literature in individuals affected with USH2A-related conditions. This variant is not present in population databases (gnomAD no frequency). This sequence change creates a premature translational stop signal (p.Val2732Cysfs*26) in the USH2A gene. It is expected to result in an absent or disrupted protein product. Loss-of-function variants in USH2A are known to be pathogenic (PMID: 10729113, 10909849, 20507924, 25649381).

Literature cited by the submitters: PubMed 10729113 (cited by Labcorp Genetics (formerly Invitae), Labcorp); PubMed 10909849 (cited by Labcorp Genetics (formerly Invitae), Labcorp); PubMed 20507924 (cited by Labcorp Genetics (formerly Invitae), Labcorp); PubMed 25649381 (cited by Labcorp Genetics (formerly Invitae), Labcorp).